The following is an entry in ClinVar:

NM_020533.3(MCOLN1):c.1336G>T (p.Val446Leu)

Gene: MCOLN1 (mucolipin TRP cation channel 1; plus strand). Cytogenetic location: 19p13.2.
Variant type: single nucleotide variant.
Coding change: c.1336G>T on transcript NM_020533.3 (MANE Select); coding-DNA position 1336, G replaced by T.
Protein change: p.Val446Leu; replaces valine 446 with leucine.
Molecular consequence: missense variant.
Genome position (GRCh38, 1-based): chr19:7,529,689, G>T. VCF-style: chr19-7529689-G-T. GRCh37 (hg19) VCF-style: chr19-7594575-G-T.
Other names: short protein forms V446L.
Identifiers: ClinVar variation 208033 (VCV000208033.17), dbSNP rs754097561, ClinGen allele CA347430.

ClinVar aggregate classification (germline): Likely pathogenic. Review status: criteria provided, multiple submitters, no conflicts (2 of 4 stars). 5 submissions from 5 submitters: Likely pathogenic (5). Last evaluated 2025-10-29.

Conditions:
Mucolipidosis type IV (ML4). Also called: ML IV. Identifiers: Orphanet 578, MedGen C0238286, MONDO:0009653, OMIM 252650.
Lisch epithelial corneal dystrophy (LECD). Also called: BAND-SHAPED AND WHORLED MICROCYSTIC CORNEAL EPITHELIAL DYSTROPHY. Identifiers: Orphanet 98955, MedGen C2749050, MONDO:0010425, OMIM 620763.
Inborn genetic diseases. Identifiers: MedGen C0950123, MeSH D030342.

Allele frequency attached by ClinVar (database versions not stated): TOPMed 0.00001.

Submissions (5):

Labcorp Genetics (formerly Invitae), Labcorp
Classification: Likely pathogenic for Mucolipidosis type IV. Last evaluated: 2025-10-29. Review status: criteria provided, single submitter. Criteria: Invitae Variant Classification Sherloc (09022015). Collection method: clinical testing. Allele origin: germline.
Comment: This sequence change replaces valine, which is neutral and non-polar, with leucine, which is neutral and non-polar, at codon 446 of the MCOLN1 protein (p.Val446Leu). This variant is present in population databases (no rsID available, gnomAD 0.01%). This missense change has been observed in individual(s) with mucolipidosis type IV (PMID: 11030752). ClinVar contains an entry for this variant (Variation ID: 208033). Invitae Evidence Modeling of protein sequence and biophysical properties (such as structural, functional, and spatial information, amino acid conservation, physicochemical variation, residue mobility, and thermodynamic stability) indicates that this missense variant is expected to disrupt MCOLN1 protein function with a positive predictive value of 95%. Experimental studies have shown that this missense change affects MCOLN1 function (PMID: 14749347, 18794901, 25119295, 27670435). This variant disrupts the p.Val446 amino acid residue in MCOLN1. Other variant(s) that disrupt this residue have been observed in individuals with MCOLN1-related conditions (PMID: 35425852), which suggests that this may be a clinically significant amino acid residue. In summary, the currently available evidence indicates that the variant is pathogenic, but additional data are needed to prove that conclusively. Therefore, this variant has been classified as Likely Pathogenic.

Natera, Inc.
Classification: Likely pathogenic for Mucolipidosis type IV. Last evaluated: 2025-03-26. Review status: criteria provided, single submitter. Criteria: Natera Variant Classification Schema (03/2026). Collection method: clinical testing. Allele origin: germline.
Comment: The c.1336G>T variant in MCOLN1 is a missense variant predicted to cause substitution of valine to leucine at amino acid 446. This variant is rare in the general population with a frequency below the threshold expected for the associated phenotype(s). This variant has been observed in one or more individuals affected with the associated recessive disease, as either homozygous or compound heterozygous with a second variant (PMID: 11030752). A different variant at the same position has been determined to be Pathogenic or Likely Pathogenic. Computational prediction algorithms indicate this variant is likely to affect gene or protein function. Given the available evidence, this variant is classified as Likely Pathogenic.

Fulgent Genetics
Classification: Likely pathogenic for Mucolipidosis type IV; Lisch epithelial corneal dystrophy. Last evaluated: 2024-03-30. Review status: criteria provided, single submitter. Criteria: ACMG Guidelines, 2015. Collection method: clinical testing. Allele origin: germline.

Women's Health and Genetics/Laboratory Corporation of America, LabCorp
Classification: Likely pathogenic for Mucolipidosis type IV. Last evaluated: 2024-03-25. Review status: criteria provided, single submitter. Criteria: LabCorp Variant Classification Summary - May 2015. Collection method: clinical testing. Allele origin: germline.
Comment: Variant summary: MCOLN1 c.1336G>T (p.Val446Leu) results in a conservative amino acid change located in the polycystin cation channel, PKD1/PKD2 domain (IPR013122) of the encoded protein sequence. Three of five in-silico tools predict a damaging effect of the variant on protein function. The variant allele was found at a frequency of 1.6e-05 in 251458 control chromosomes (gnomAD). c.1336G>T has been reported in the literature in at least one homozygous individual from a consanguineous family affected with Mucolipidosis Type 4 (Sun_2000). These data indicate that the variant may be associated with disease. Several publications report experimental evidence evaluating an impact on protein function. The most pronounced variant effect results in resistance to the inhibition of ion channel activity at low pH (Roychowdhury_2004), significantly reduced co-localization to lysosomes (Chen_2014), and impaired cationic iron permeability resulting in <10% of normal activity (Dong_2008). The following publications have been ascertained in the context of this evaluation (PMID: 11030752, 18794901, 14749347, 25119295). ClinVar contains an entry for this variant (Variation ID: 208033). Based on the evidence outlined above, the variant was classified as likely pathogenic.

Ambry Genetics
Classification: Likely pathogenic for Inborn genetic diseases. Last evaluated: 2020-02-04. Review status: criteria provided, single submitter. Criteria: Ambry Variant Classification Scheme 2023. Collection method: clinical testing. Allele origin: germline.
Comment: The alteration results in an amino acid change:_x000D_ _x000D_ The c.1336G>T (p.V446L) alteration is located in coding exon 11 of the MCOLN1 gene. This alteration results from a G to T substitution at nucleotide position 1336, causing the valine (V) at amino acid position 446 to be replaced by a leucine (L). The alteration is rare in population databases: _x000D_ _x000D_ Based on data from the Genome Aggregation Database (gnomAD), the c.1336G>T alteration was observed in 0.0016% (4/251458) of total alleles studied, with a frequency of 0.012% (4/34592) in the Latino subpopulation. The amino acid change has been observed in affected individuals: _x000D_ _x000D_ This alteration has been observed homozygous in a patient with a severe presentation of mucolipidosis IV (Sun, 2000; Wakabayashi, 2011; Yamaguchi, 2019). Functional analysis reveals there may be a damaging effect of the amino acid alteration: _x000D_ _x000D_ Several studies have demonstrated using functional data that the p.V446L alteration can interfere with correct subcellular localization (Dong, 2008; Chen, 2014; Pryor, 2006). Other studies suggest the alteration impairs channel function (Dong, 2008), but this was not consistently observed (Raychowdhury, 2004). Based on the available evidence, this alteration is classified as likely pathogenic.

Literature cited by the submitters: PubMed 11030752 (cited by 4 submitters); PubMed 14749347 (cited by 3 submitters); PubMed 18794901 (cited by 3 submitters); PubMed 25119295 (cited by 3 submitters); PubMed 27670435 (cited by Labcorp Genetics (formerly Invitae), Labcorp); PubMed 35425852 (cited by Labcorp Genetics (formerly Invitae), Labcorp); PubMed 18326692 (cited by Women's Health and Genetics/Laboratory Corporation of America, LabCorp); PubMed 15178326 (cited by Women's Health and Genetics/Laboratory Corporation of America, LabCorp); PubMed 16978393 (cited by Ambry Genetics); PubMed 21763169 (cited by Ambry Genetics); PubMed 31899079 (cited by Ambry Genetics).